The following is an entry in ClinVar:

ClinVar aggregate classification (germline): Benign. Review status: criteria provided, single submitter (1 of 4 stars). 2 submissions from 2 submitters: Benign (1). 1 of the submissions does not count toward it. Last evaluated 2019-12-13.

Conditions:
KCNAB2-related disorder. Also called: KCNAB2-related condition.

Submissions (2):

Labcorp Genetics (formerly Invitae), Labcorp
Classification: Benign. Last evaluated: 2019-12-13. Review status: criteria provided, single submitter. Criteria: Invitae Variant Classification Sherloc (09022015). Collection method: clinical testing. Allele origin: germline.

PreventionGenetics, part of Exact Sciences
Classification: Benign for KCNAB2-related condition. Last evaluated: 2019-09-25. Review status: no assertion criteria provided. Collection method: clinical testing. Allele origin: germline. Not counted in ClinVar's aggregate classification.
Comment: This variant is classified as benign based on ACMG/AMP sequence variant interpretation guidelines (Richards et al. 2015 PMID: 25741868, with internal and published modifications).

NM_001199862.2(KCNAB2):c.380+10_380+14del

Gene: KCNAB2 (potassium voltage-gated channel subfamily A regulatory beta subunit 2; plus strand). Cytogenetic location: 1p36.31.
Variant type: Deletion.
Coding change: c.380+10_380+14del on transcript NM_001199862.2 (MANE Select); bases 10 to 14 of the intron after coding-DNA position 380, 5 bases deleted (TTTTC; older notation c.380+10_380+14delTTTTC).
Molecular consequence: intron variant.
Genome position (GRCh38, 1-based): chr1:6,082,284-6,082,288, TTTTC deleted; deleting any 5 consecutive bases within chr1:6,082,282-6,082,288 gives the same sequence; the c. name uses the placement nearest the transcript's 3' end. VCF-style (leftmost placement, unchanged base first): chr1-6082281-GTCTTT-G. GRCh37 (hg19) VCF-style: chr1-6142341-GTCTTT-G.
Other names: c.281+10_281+14del (NM_001199861.2, NM_003636.4, NM_001199860.2); c.239+10_239+14del (NM_172130.3); c.80+10_80+14del (NM_001199863.2); c.281+10_281+14del5 (NM_003636.3).
Identifiers: ClinVar variation 767645 (VCV000767645.6), dbSNP rs143758613, ClinGen allele CA555161.
Genomic context (GRCh38, chr1:6,082,281, plus strand): 5'-CTATGATAATGGCATCAACCTCTTCGATACAGCAGAAGTCTACGCAGCCGGCAAGTACGT[GTCTTT>G]TCACACGGGAAAAAGTGGTTCAGAATGCCTGGGCAGAGCCGGAGCTACAGGGATTCCTGC-3'